The following is an entry in ClinVar:

NM_173628.4(DNAH17):c.2409G>A (p.Pro803=)

Gene: DNAH17 (dynein axonemal heavy chain 17; minus strand). Cytogenetic location: 17q25.3.
Variant type: single nucleotide variant.
Coding change: c.2409G>A on transcript NM_173628.4 (MANE Select); coding-DNA position 2409, G replaced by A.
Protein change: p.Pro803=; no amino-acid change (proline 803 retained).
Molecular consequence: synonymous variant.
Genome position (GRCh38, 1-based): chr17:78,543,980, C>T on the plus strand (G>A on the coding strand, the complement: DNAH17 is on the minus strand). VCF-style: chr17-78543980-C-T. GRCh37 (hg19) VCF-style: chr17-76540062-C-T.
Identifiers: ClinVar variation 3042432 (VCV003042432.2), dbSNP rs148636690, ClinGen allele CA8804697.

ClinVar aggregate classification (germline): Benign (0 of 4 stars; one submission).

Conditions:
DNAH17-related disorder. Also called: DNAH17-related condition.

Allele frequency attached by ClinVar (database versions not stated): TOPMed 0.00075; ESP Exome Variant Server 0.00123; gnomAD 0.00160; gnomAD exomes 0.00295; ExAC 0.00595; 1000 Genomes Project 0.00759; 1000 Genomes Project 30x 0.00765.
gnomAD v4.1: 4,570 of 1,613,944 alleles (0.28%); highest among the groups gnomAD compares: South Asian, 3.8%; 109 homozygotes.

Submission:

PreventionGenetics, part of Exact Sciences
Classification: Benign for DNAH17-related condition. Last evaluated: 2019-02-20. Review status: no assertion criteria provided. Collection method: clinical testing. Allele origin: germline.
Comment: This variant is classified as benign based on ACMG/AMP sequence variant interpretation guidelines (Richards et al. 2015 PMID: 25741868, with internal and published modifications).